The following is an entry in ClinVar:

NM_006073.4(TRDN):c.232+186C>T

Gene: TRDN (triadin; minus strand). Cytogenetic location: 6q22.31.
Variant type: single nucleotide variant.
Coding change: c.232+186C>T on transcript NM_006073.4 (MANE Select); 186 bases into the intron after coding-DNA position 232, C replaced by T.
Molecular consequence: intron variant.
Genome position (GRCh38, 1-based): chr6:123,570,737, G>A on the plus strand (C>T on the coding strand, the complement: TRDN is on the minus strand). VCF-style: chr6-123570737-G-A. GRCh37 (hg19) VCF-style: chr6-123891882-G-A.
Other names: c.232+186C>T (NM_001251987.2, NM_001256020.2, NM_001256021.2 and 1 more transcripts).
Identifiers: ClinVar variation 674790 (VCV000674790.1), dbSNP rs13200076, ClinGen allele CA147302699.

ClinVar aggregate classification (germline): Benign (1 of 4 stars; one submission).

Allele frequency attached by ClinVar (database versions not stated): 1000 Genomes Project 30x 0.09400; 1000 Genomes Project 0.09425; TOPMed 0.16934; gnomAD 0.17813 and 0.18130.
gnomAD v4.1: 27,036 of 151,968 alleles (18%); highest among the groups gnomAD compares: Non-Finnish European, 26%; 3,121 homozygotes.

Submission:

GeneDx
Classification: Benign. Last evaluated: 2018-06-14. Review status: criteria provided, single submitter. Criteria: GeneDx Variant Classification (06012015). Collection method: clinical testing. Allele origin: germline. Affected: yes.
Comment: This variant is considered likely benign or benign based on one or more of the following criteria: it is a conservative change, it occurs at a poorly conserved position in the protein, it is predicted to be benign by multiple in silico algorithms, and/or has population frequency not consistent with disease.